The following is an entry in ClinVar:

NM_000360.4(TH):c.32C>G (p.Ala11Gly)

Gene: TH (tyrosine hydroxylase; minus strand). Cytogenetic location: 11p15.5.
Variant type: single nucleotide variant.
Coding change: c.32C>G on transcript NM_000360.4 (MANE Select); coding-DNA position 32, C replaced by G.
Protein change: p.Ala11Gly; replaces alanine 11 with glycine.
Molecular consequence: missense variant.
Genome position (GRCh38, 1-based): chr11:2,171,755, G>C on the plus strand (C>G on the coding strand, the complement: TH is on the minus strand). VCF-style: chr11-2171755-G-C. GRCh37 (hg19) VCF-style: chr11-2192985-G-C.
Other names: c.32C>G, p.Ala11Gly (NM_199292.3, NM_199293.3); c.32C>G (NM_199292.2); short protein forms A11G.
Identifiers: ClinVar variation 1486839 (VCV001486839.8), dbSNP rs933425557, ClinGen allele CA216230038.

ClinVar aggregate classification (germline): Uncertain significance. Review status: criteria provided, multiple submitters, no conflicts (2 of 4 stars). 2 submissions from 2 submitters: Uncertain significance (2). Last evaluated 2025-04-11.

Conditions:
TH-deficient dopa-responsive dystonia. Also called: Tyrosine Hydroxylase-Deficient Dopa-Responsive Dystonia; Segawa syndrome, autosomal recessive; DYT-TH. Identifiers: Orphanet 101150, MedGen C2673535, MONDO:0011551, OMIM 605407.
Inborn genetic diseases. Identifiers: MedGen C0950123, MeSH D030342.

Allele frequency attached by ClinVar (database versions not stated): TOPMed below 0.00001.

Submissions (2):

Ambry Genetics
Classification: Uncertain significance for Inborn genetic diseases. Last evaluated: 2025-04-11. Review status: criteria provided, single submitter. Criteria: Ambry Variant Classification Scheme 2023. Collection method: clinical testing. Allele origin: germline.

Labcorp Genetics (formerly Invitae), Labcorp
Classification: Uncertain significance for TH-deficient dopa-responsive dystonia. Last evaluated: 2023-11-27. Review status: criteria provided, single submitter. Criteria: Invitae Variant Classification Sherloc (09022015). Collection method: clinical testing. Allele origin: germline.
Comment: This sequence change replaces alanine, which is neutral and non-polar, with glycine, which is neutral and non-polar, at codon 11 of the TH protein (p.Ala11Gly). This variant is not present in population databases (gnomAD no frequency). This variant has not been reported in the literature in individuals affected with TH-related conditions. ClinVar contains an entry for this variant (Variation ID: 1486839). Algorithms developed to predict the effect of missense changes on protein structure and function output the following: SIFT: "Not Available"; PolyPhen-2: "Benign"; Align-GVGD: "Not Available". The glycine amino acid residue is found in multiple mammalian species, which suggests that this missense change does not adversely affect protein function. In summary, the available evidence is currently insufficient to determine the role of this variant in disease. Therefore, it has been classified as a Variant of Uncertain Significance.